The following is an entry in ClinVar:

ClinVar aggregate classification (germline): Uncertain significance. Review status: criteria provided, multiple submitters, no conflicts (2 of 4 stars). 2 submissions from 2 submitters: Uncertain significance (2). Last evaluated 2026-04-11.

Conditions:
Inborn genetic diseases. Identifiers: MedGen C0950123, MeSH D030342.
Charcot-Marie-Tooth disease axonal type 2P. Also called: CHARCOT-MARIE-TOOTH NEUROPATHY, TYPE 2P; Charcot-Marie-Tooth Neuropathy Type 2G; CHARCOT-MARIE-TOOTH DISEASE, AXONAL, TYPE 2G; CMT 2G. Identifiers: Orphanet 300319, Orphanet 99941, MedGen C3280797, MONDO:0013753, OMIM 614436.

Allele frequency attached by ClinVar (database versions not stated): gnomAD exomes below 0.00001; gnomAD 0.00001.
gnomAD v4.1: 3 of 1,613,524 alleles (0.00019%); highest among the groups gnomAD compares: Non-Finnish European, 0.00017%; no homozygotes.

Submissions (2):

Ambry Genetics
Classification: Uncertain significance for Inborn genetic diseases. Last evaluated: 2026-04-11. Review status: criteria provided, single submitter. Criteria: Ambry Variant Classification Scheme 2023. Collection method: clinical testing. Allele origin: germline.

Center for Human Genetics and Genomic Medicine, Uniklinik Rwth Aachen
Classification: Uncertain significance for Charcot-Marie-Tooth disease axonal type 2P. Last evaluated: 2021-12-23. Review status: criteria provided, single submitter. Criteria: ACMG Guidelines, 2015. Collection method: clinical testing. Allele origin: unknown. Affected: yes.
Comment: The variant has not yet been reported in databases or in the literature. Bioinformatic prediction tools indicate possible pathogenicity. It is regarded as a variant of uncertain significance.

NM_001005373.4(LRSAM1):c.1694T>C (p.Leu565Pro)

Gene: LRSAM1 (leucine rich repeat and sterile alpha motif containing 1; plus strand). Cytogenetic location: 9q33.3.
Variant type: single nucleotide variant.
Coding change: c.1694T>C on transcript NM_001005373.4 (MANE Select); coding-DNA position 1694, T replaced by C.
Protein change: p.Leu565Pro; replaces leucine 565 with proline.
Molecular consequence: missense variant. On other transcripts: non-coding transcript variant (2), intron variant (1).
Genome position (GRCh38, 1-based): chr9:127,495,414, T>C. VCF-style: chr9-127495414-T-C. GRCh37 (hg19) VCF-style: chr9-130257693-T-C.
Other names: c.1694T>C, p.Leu565Pro (NM_001005374.4, NM_001384142.1, NM_138361.5); c.1613T>C, p.Leu538Pro (NM_001190723.3); c.905T>C, p.Leu302Pro (NM_001384144.1); c.1600-550T>C (NM_001384143.1); c.1694T>C (NM_138361.4); short protein forms L302P, L538P, L565P.
Identifiers: ClinVar variation 1328971 (VCV001328971.4), dbSNP rs1836091590, ClinGen allele CA374935424.